The following is an entry in ClinVar:

NM_005908.4(MANBA):c.163C>G (p.Gln55Glu)

Genes: MANBA (mannosidase beta; minus strand), LOC129992886 (ATAC-STARR-seq lymphoblastoid active region 21757; plus strand). Cytogenetic location: 4q24.
Variant type: single nucleotide variant.
Coding change: c.163C>G on transcript NM_005908.4 (MANE Select); coding-DNA position 163, C replaced by G.
Protein change: p.Gln55Glu; replaces glutamine 55 with glutamic acid.
Molecular consequence: missense variant.
Genome position (GRCh38, 1-based): chr4:102,760,732, G>C on the plus strand (C>G on the coding strand, the complement: MANBA is on the minus strand). VCF-style: chr4-102760732-G-C. GRCh37 (hg19) VCF-style: chr4-103681889-G-C.
Other names: short protein forms Q55E.
Identifiers: ClinVar variation 1311852 (VCV001311852.6), dbSNP rs758643729, ClinGen allele CA3027328.

ClinVar aggregate classification (germline): Uncertain significance. Review status: criteria provided, multiple submitters, no conflicts (2 of 4 stars). 2 submissions from 2 submitters: Uncertain significance (2). Last evaluated 2022-07-13.

Conditions:
Beta-D-mannosidosis (MANSB). Also called: MANNOSIDOSIS, BETA A, LYSOSOMAL; BETA-MANNOSIDASE DEFICIENCY; LYSOSOMAL BETA-MANNOSIDASE DEFICIENCY; Beta-Mannosidosis. Identifiers: Orphanet 118, MedGen C4048196, MONDO:0009562, OMIM 248510.

Allele frequency attached by ClinVar (database versions not stated): gnomAD exomes 0.00003 and below 0.00001.
gnomAD v4.1: 5 of 1,543,794 alleles (0.00032%); highest among the groups gnomAD compares: Admixed American, 0.0039%; no homozygotes.

Submissions (2):

Labcorp Genetics (formerly Invitae), Labcorp
Classification: Uncertain significance for Beta-D-mannosidosis. Last evaluated: 2022-07-13. Review status: criteria provided, single submitter. Criteria: Invitae Variant Classification Sherloc (09022015). Collection method: clinical testing. Allele origin: germline.
Comment: This sequence change replaces glutamine, which is neutral and polar, with glutamic acid, which is acidic and polar, at codon 55 of the MANBA protein (p.Gln55Glu). This variant is present in population databases (rs758643729, gnomAD 0.009%). This variant has not been reported in the literature in individuals affected with MANBA-related conditions. ClinVar contains an entry for this variant (Variation ID: 1311852). Algorithms developed to predict the effect of missense changes on protein structure and function (SIFT, PolyPhen-2, Align-GVGD) all suggest that this variant is likely to be tolerated. In summary, the available evidence is currently insufficient to determine the role of this variant in disease. Therefore, it has been classified as a Variant of Uncertain Significance.

GeneDx
Classification: Uncertain significance. Last evaluated: 2020-01-02. Review status: criteria provided, single submitter. Criteria: GeneDx Variant Classification Process June 2021. Collection method: clinical testing. Allele origin: germline. Affected: yes.
Comment: Not observed at a significant frequency in large population cohorts (Lek et al., 2016); In silico analysis, which includes protein predictors and evolutionary conservation, supports that this variant does not alter protein structure/function; Has not been previously published as pathogenic or benign to our knowledge